The following is an entry in ClinVar:

NM_004453.4(ETFDH):c.188A>G (p.Glu63Gly)

Gene: ETFDH (electron transfer flavoprotein dehydrogenase; plus strand). Cytogenetic location: 4q32.1.
Variant type: single nucleotide variant.
Coding change: c.188A>G on transcript NM_004453.4 (MANE Select); coding-DNA position 188, A replaced by G.
Protein change: p.Glu63Gly; replaces glutamic acid 63 with glycine.
Molecular consequence: missense variant.
Genome position (GRCh38, 1-based): chr4:158,682,207, A>G. VCF-style: chr4-158682207-A-G. GRCh37 (hg19) VCF-style: chr4-159603359-A-G.
Other names: p.Glu63Gly; c.47A>G, p.Glu16Gly (NM_001281737.2); c.5A>G, p.Glu2Gly (NM_001281738.1); short protein forms E2G, E63G, E16G.
Identifiers: ClinVar variation 4541017 (VCV004541017.1).

ClinVar aggregate classification (germline): Uncertain significance (1 of 4 stars; one submission).

gnomAD v4.1: 4 of 1,613,978 alleles (0.00025%); highest among the groups gnomAD compares: Non-Finnish European, 0.00034%; no homozygotes.

Submission:

Mayo Clinic Laboratories, Mayo Clinic
Classification: Uncertain significance. Last evaluated: 2025-03-28. Review status: criteria provided, single submitter. Criteria: ACMG Guidelines, 2015. Collection method: clinical testing. Allele origin: germline. Observed: 1 variant allele.
Comment: PP3, PM2_supporting